The following is an entry in ClinVar:

NM_004863.4(SPTLC2):c.569A>G (p.Glu190Gly)

Gene: SPTLC2 (serine palmitoyltransferase long chain base subunit 2; minus strand). Cytogenetic location: 14q24.3.
Variant type: single nucleotide variant.
Coding change: c.569A>G on transcript NM_004863.4 (MANE Select); coding-DNA position 569, A replaced by G.
Protein change: p.Glu190Gly; replaces glutamic acid 190 with glycine.
Molecular consequence: missense variant.
Genome position (GRCh38, 1-based): chr14:77,576,829, T>C on the plus strand (A>G on the coding strand, the complement: SPTLC2 is on the minus strand). VCF-style: chr14-77576829-T-C. GRCh37 (hg19) VCF-style: chr14-78043172-T-C.
Other names: short protein forms E190G.
Identifiers: ClinVar variation 1749119 (VCV001749119.2), dbSNP rs2503515585, ClinGen allele CA390699325.

ClinVar aggregate classification (germline): Uncertain significance (1 of 4 stars; one submission).

Conditions:
Inborn genetic diseases. Identifiers: MedGen C0950123, MeSH D030342.

Submission:

Ambry Genetics
Classification: Uncertain significance for Inborn genetic diseases. Last evaluated: 2020-08-13. Review status: criteria provided, single submitter. Criteria: Ambry Variant Classification Scheme 2023. Collection method: clinical testing. Allele origin: germline.
Comment: The p.E190G variant (also known as c.569A>G), located in coding exon 4 of the SPTLC2 gene, results from an A to G substitution at nucleotide position 569. The glutamic acid at codon 190 is replaced by glycine, an amino acid with similar properties. This amino acid position is not well conserved in available vertebrate species. In addition, the in silico prediction for this alteration is inconclusive. Since supporting evidence is limited at this time, the clinical significance of this alteration remains unclear.